The following is an entry in ClinVar:

ClinVar aggregate classification (germline): Uncertain significance (1 of 4 stars; one submission).

Conditions:
Niemann-Pick disease, type C1. Also called: NEUROVISCERAL STORAGE DISEASE WITH VERTICAL SUPRANUCLEAR OPHTHALMOPLEGIA; NIEMANN-PICK DISEASE WITH CHOLESTEROL ESTERIFICATION BLOCK; NIEMANN-PICK DISEASE, VARIANT TYPE C1; NIEMANN-PICK DISEASE WITHOUT SPHINGOMYELINASE DEFICIENCY; NIEMANN-PICK DISEASE, CHRONIC NEURONOPATHIC FORM. Identifiers: Orphanet 646, MedGen C3179455, MONDO:0009757, OMIM 257220.

Submission:

Labcorp Genetics (formerly Invitae), Labcorp
Classification: Uncertain significance for Niemann-Pick disease, type C1. Last evaluated: 2022-07-21. Review status: criteria provided, single submitter. Criteria: Invitae Variant Classification Sherloc (09022015). Collection method: clinical testing. Allele origin: germline.
Comment: This variant disrupts the p.Ser357 amino acid residue in NPC1. Other variant(s) that disrupt this residue have been determined to be pathogenic (PMID: 27256227, 27928380; Invitae). This suggests that this residue is clinically significant, and that variants that disrupt this residue are likely to be disease-causing. In summary, the available evidence is currently insufficient to determine the role of this variant in disease. Therefore, it has been classified as a Variant of Uncertain Significance. Advanced modeling of protein sequence and biophysical properties (such as structural, functional, and spatial information, amino acid conservation, physicochemical variation, residue mobility, and thermodynamic stability) performed at Invitae indicates that this missense variant is not expected to disrupt NPC1 protein function. This variant has not been reported in the literature in individuals affected with NPC1-related conditions. This variant is not present in population databases (gnomAD no frequency). This sequence change replaces serine, which is neutral and polar, with alanine, which is neutral and non-polar, at codon 357 of the NPC1 protein (p.Ser357Ala).

Literature cited by the submitters: PubMed 27256227; PubMed 27928380.

NM_000271.5(NPC1):c.1069T>G (p.Ser357Ala)

Gene: NPC1 (NPC intracellular cholesterol transporter 1; minus strand). Cytogenetic location: 18q11.2.
Variant type: single nucleotide variant.
Coding change: c.1069T>G on transcript NM_000271.5 (MANE Select); coding-DNA position 1069, T replaced by G.
Protein change: p.Ser357Ala; replaces serine 357 with alanine.
Molecular consequence: missense variant.
Genome position (GRCh38, 1-based): chr18:23,556,500, A>C on the plus strand (T>G on the coding strand, the complement: NPC1 is on the minus strand). VCF-style: chr18-23556500-A-C. GRCh37 (hg19) VCF-style: chr18-21136464-A-C.
Other names: short protein forms S357A.
Identifiers: ClinVar variation 2018651 (VCV002018651.4), dbSNP rs2511284276, ClinGen allele CA401778541.